The following is an entry in ClinVar:

ClinVar aggregate classification (germline): Benign. Review status: criteria provided, multiple submitters, no conflicts (2 of 4 stars). 2 submissions from 2 submitters: Benign (2). Last evaluated 2018-01-12.

Conditions:
MAPT-Related Spectrum Disorders.

Allele frequency attached by ClinVar (database versions not stated): 1000 Genomes Project 30x 0.08510; 1000 Genomes Project 0.08606; gnomAD exomes 0.12888; gnomAD 0.14193 and 0.14475; TOPMed 0.14821.
gnomAD v4.1: 22,021 of 153,856 alleles (14%); highest among the groups gnomAD compares: Middle Eastern, 22%; 2,154 homozygotes.

Submissions (2):

Illumina Laboratory Services, Illumina
Classification: Benign for MAPT-Related Spectrum Disorders. Last evaluated: 2018-01-12. Review status: criteria provided, single submitter. Criteria: ICSL Variant Classification Criteria 13 December 2019. Collection method: clinical testing. Allele origin: germline.
Comment: This variant was observed in the ICSL laboratory as part of a predisposition screen in an ostensibly healthy population. It had not been previously curated by ICSL or reported in the Human Gene Mutation Database (HGMD: prior to June 1st, 2018), and was therefore a candidate for classification through an automated scoring system. Utilizing variant allele frequency, disease prevalence and penetrance estimates, and inheritance mode, an automated score was calculated to assess if this variant is too frequent to cause the disease. Based on the score and internal cut-off values, a variant classified as benign is not then subjected to further curation. The score for this variant resulted in a classification of benign for this disease.

Breakthrough Genomics
Classification: Benign. Review status: criteria provided, single submitter. Criteria: ACMG Guidelines, 2015. Collection method: not provided. Allele origin: germline. Inheritance: Autosomal recessive inheritance. Affected: yes.

NM_001377265.1(MAPT):c.-133C>A

Genes: MAPT (microtubule associated protein tau), MAPT-AS1 (MAPT antisense RNA 1). Cytogenetic location: 17q21.31.
Variant type: single nucleotide variant.
Coding change: c.-133C>A on transcript NM_001377265.1 (MANE Select); 133 bases upstream of the start codon, C replaced by A.
Molecular consequence: 5 prime UTR variant. On other transcripts: non-coding transcript variant (1).
Genome position (GRCh38, 1-based): chr17:45,894,571, C>A. VCF-style: chr17-45894571-C-A. GRCh37 (hg19) VCF-style: chr17-43971937-C-A.
Other names: c.-133C>A (NM_001123066.4, NM_001123067.4, NM_001203251.2 and 7 more transcripts); c.-286C>A (NM_001377268.1).
Identifiers: ClinVar variation 323639 (VCV000323639.6), dbSNP rs62056779, ClinGen allele CA10639852.
Genomic context (GRCh38, chr17:45,894,571, plus strand): 5'-CGCCGGCCTCAGGAACGCGCCCTCTTCGCCGGCGCGCGCCCTCGCAGTCACCGCCACCCA[C>A]CAGCTCCGGCACCAACAGCAGCGCCGCTGCCACCGCCCACCTTCTGCCGCCGCCACCACA-3'